The following is an entry in ClinVar:

ClinVar aggregate classification (germline): Uncertain significance (1 of 4 stars; one submission).

Conditions:
Hereditary cancer-predisposing syndrome. Also called: Hereditary Cancer Syndrome; Hereditary neoplastic syndrome; Tumor predisposition; Neoplastic Syndromes, Hereditary. Identifiers: Orphanet 140162, MedGen C0027672, MeSH D009386, MONDO:0015356.

Submission:

Ambry Genetics
Classification: Uncertain significance for Hereditary cancer-predisposing syndrome. Last evaluated: 2022-04-08. Review status: criteria provided, single submitter. Criteria: Ambry Variant Classification Scheme 2023. Collection method: clinical testing. Allele origin: germline.
Comment: The p.D78V variant (also known as c.233A>T), located in coding exon 1 of the TMEM127 gene, results from an A to T substitution at nucleotide position 233. The aspartic acid at codon 78 is replaced by valine, an amino acid with highly dissimilar properties. This amino acid position is conserved. In addition, the in silico prediction for this alteration is inconclusive. Since supporting evidence is limited at this time, the clinical significance of this alteration remains unclear.

NM_017849.4(TMEM127):c.233A>T (p.Asp78Val)

Gene: TMEM127 (transmembrane protein 127; minus strand). Cytogenetic location: 2q11.2.
Variant type: single nucleotide variant.
Coding change: c.233A>T on transcript NM_017849.4 (MANE Select); coding-DNA position 233, A replaced by T.
Protein change: p.Asp78Val; replaces aspartic acid 78 with valine.
Molecular consequence: missense variant.
Genome position (GRCh38, 1-based): chr2:96,265,149, T>A on the plus strand (A>T on the coding strand, the complement: TMEM127 is on the minus strand). VCF-style: chr2-96265149-T-A. GRCh37 (hg19) VCF-style: chr2-96930887-T-A.
Other names: c.233A>T, p.Asp78Val (NM_001193304.3); short protein forms D78V.
Identifiers: ClinVar variation 1789832 (VCV001789832.2), dbSNP rs2104307185, ClinGen allele CA347655845.